The following is an entry in ClinVar:

NM_001376.5(DYNC1H1):c.2869-11T>C

Gene: DYNC1H1 (dynein cytoplasmic 1 heavy chain 1; plus strand). Cytogenetic location: 14q32.31.
Variant type: single nucleotide variant.
Coding change: c.2869-11T>C on transcript NM_001376.5 (MANE Select); 11 bases into the intron before coding-DNA position 2869, T replaced by C.
Molecular consequence: intron variant.
Genome position (GRCh38, 1-based): chr14:101,991,516, T>C. VCF-style: chr14-101991516-T-C. GRCh37 (hg19) VCF-style: chr14-102457853-T-C.
Identifiers: ClinVar variation 514206 (VCV000514206.8), dbSNP rs368250311, ClinGen allele CA7351907.

ClinVar aggregate classification (germline): Likely benign. Review status: criteria provided, multiple submitters, no conflicts (2 of 4 stars). 2 submissions from 2 submitters: Likely benign (2). Last evaluated 2025-01-06.

Conditions:
Charcot-Marie-Tooth disease axonal type 2O. Also called: CHARCOT-MARIE-TOOTH NEUROPATHY, AXONAL, TYPE 2O; CHARCOT-MARIE-TOOTH DISEASE, AXONAL, AUTOSOMAL DOMINANT, TYPE 2O; Charcot-Marie-Tooth disease, axonal, type 20; Charcot-Marie-Tooth Neuropathy Type 2O. Identifiers: Orphanet 284232, MedGen C3280220, MONDO:0013644, OMIM 614228.

Allele frequency attached by ClinVar (database versions not stated): TOPMed below 0.00001; gnomAD exomes 0.00001 and 0.00002; ExAC 0.00003; ESP Exome Variant Server 0.00008.
gnomAD v4.1: 19 of 1,614,184 alleles (0.0012%); highest among the groups gnomAD compares: Non-Finnish European, 0.0016%; no homozygotes.

Submissions (2):

Labcorp Genetics (formerly Invitae), Labcorp
Classification: Likely benign for Charcot-Marie-Tooth disease axonal type 2O. Last evaluated: 2025-01-06. Review status: criteria provided, single submitter. Criteria: Invitae Variant Classification Sherloc (09022015). Collection method: clinical testing. Allele origin: germline.

GeneDx
Classification: Likely benign. Last evaluated: 2017-11-06. Review status: criteria provided, single submitter. Criteria: GeneDx Variant Classification (06012015). Collection method: clinical testing. Allele origin: germline. Affected: yes.
Comment: This variant is considered likely benign or benign based on one or more of the following criteria: it is a conservative change, it occurs at a poorly conserved position in the protein, it is predicted to be benign by multiple in silico algorithms, and/or has population frequency not consistent with disease.